The following is an entry in ClinVar:

NM_014908.4(DOLK):c.1462G>T (p.Ala488Ser)

Gene: DOLK (dolichol kinase; minus strand). Cytogenetic location: 9q34.11.
Variant type: single nucleotide variant.
Coding change: c.1462G>T on transcript NM_014908.4 (MANE Select); coding-DNA position 1462, G replaced by T.
Protein change: p.Ala488Ser; replaces alanine 488 with serine.
Molecular consequence: missense variant.
Genome position (GRCh38, 1-based): chr9:128,945,842, C>A on the plus strand (G>T on the coding strand, the complement: DOLK is on the minus strand). VCF-style: chr9-128945842-C-A. GRCh37 (hg19) VCF-style: chr9-131708121-C-A.
Other names: short protein forms A488S.
Identifiers: ClinVar variation 655571 (VCV000655571.11), dbSNP rs1588261659, ClinGen allele CA375116429.
Genomic context (GRCh38, chr9:128,945,842, plus strand): 5'-CCAAAATCCAAGCATAACTGTAGTTTAGGTCCACTCCACTGTCAAAGATTAAGATCAGAG[C>A]TACAGAAATGATCTGCGCAAATATAGATGTCATGGTCCCCTCAAAAGTCTTTTTGGTTCC-3'
Protein context (NP_055723.1, residues 478-498): TSIFAQIISV[Ala488Ser]LILIFDSGVD

ClinVar aggregate classification (germline): Uncertain significance. Review status: criteria provided, multiple submitters, no conflicts (2 of 4 stars). 2 submissions from 2 submitters: Uncertain significance (2). Last evaluated 2022-06-02.

Conditions:
DK1-congenital disorder of glycosylation. Also called: DOLK-congenital disorder of glycosylation; Carbohydrate deficient glycoprotein syndrome type 1m; DK1 DEFICIENCY; DOLICHOL KINASE DEFICIENCY; DK1-CDG; CONGENITAL DISORDER OF GLYCOSYLATION, TYPE Im. Identifiers: Orphanet 91131, MedGen C1835849, MONDO:0012556, OMIM 610768.
Cardiovascular phenotype. Identifiers: MedGen CN230736.

Submissions (2):

Labcorp Genetics (formerly Invitae), Labcorp
Classification: Uncertain significance for DK1-congenital disorder of glycosylation. Last evaluated: 2022-06-02. Review status: criteria provided, single submitter. Criteria: Invitae Variant Classification Sherloc (09022015). Collection method: clinical testing. Allele origin: germline.
Comment: In summary, the available evidence is currently insufficient to determine the role of this variant in disease. Therefore, it has been classified as a Variant of Uncertain Significance. Algorithms developed to predict the effect of missense changes on protein structure and function are either unavailable or do not agree on the potential impact of this missense change (SIFT: "Tolerated"; PolyPhen-2: "Possibly Damaging"; Align-GVGD: "Class C0"). ClinVar contains an entry for this variant (Variation ID: 655571). This variant has not been reported in the literature in individuals affected with DOLK-related conditions. This variant is not present in population databases (gnomAD no frequency). This sequence change replaces alanine, which is neutral and non-polar, with serine, which is neutral and polar, at codon 488 of the DOLK protein (p.Ala488Ser).

Ambry Genetics
Classification: Uncertain significance for Cardiovascular phenotype. Last evaluated: 2021-07-01. Review status: criteria provided, single submitter. Criteria: Ambry Variant Classification Scheme 2023. Collection method: clinical testing. Allele origin: germline.
Comment: The p.A488S variant (also known as c.1462G>T), located in coding exon 1 of the DOLK gene, results from a G to T substitution at nucleotide position 1462. The alanine at codon 488 is replaced by serine, an amino acid with similar properties. This amino acid position is conserved. In addition, this alteration is predicted to be tolerated by in silico analysis. Since supporting evidence is limited at this time, the clinical significance of this alteration remains unclear.